The following is an entry in ClinVar:

NM_000540.3(RYR1):c.14392dup (p.Val4798fs)

Gene: RYR1 (ryanodine receptor 1; plus strand). Cytogenetic location: 19q13.2.
Variant type: Duplication.
Coding change: c.14392dup on transcript NM_000540.3 (MANE Select); coding-DNA position 14392, one base duplicated (G; older notation c.14392dupG).
Protein change: p.Val4798fs; shifts the reading frame from valine 4798.
Molecular consequence: frameshift variant.
Genome position (GRCh38, 1-based): chr19:38,580,009, G duplicated; the last of 2 consecutive G bases (chr19:38,580,008-38,580,009); duplicating either gives the same sequence. VCF-style (leftmost placement, unchanged base first): chr19-38580007-T-TG. GRCh37 (hg19) VCF-style: chr19-39070647-T-TG.
Other names: c.14392dupG (NM_000540.2); c.14377dup, p.Val4793fs (NM_001042723.2); short protein forms V4793fs, V4798fs.
Identifiers: ClinVar variation 478197 (VCV000478197.9), dbSNP rs1555803803, ClinGen allele CA658658813.

ClinVar aggregate classification (germline): Pathogenic. Review status: criteria provided, multiple submitters, no conflicts (2 of 4 stars). 2 submissions from 2 submitters: Pathogenic (2). Last evaluated 2026-01-13.

Conditions:
RYR1-related disorder. Also called: RYR1-related disorders; RYR1-related condition. Identifiers: MedGen CN239331.
Congenital multicore myopathy with external ophthalmoplegia (CMYO1B). Also called: Minicore myopathy with external ophthalmoplegia; MULTIMINICORE DISEASE WITH EXTERNAL OPHTHALMOPLEGIA; Congenital myopathy 1B, autosomal recessive; Minicore myopathy; MULTICORE MYOPATHY. Identifiers: Orphanet 598, Orphanet 98905, MedGen C1850674, MONDO:0009712, OMIM 255320, HP:0003789.

Submissions (2):

Variantyx, Inc.
Classification: Pathogenic for Congenital multicore myopathy with external ophthalmoplegia. Last evaluated: 2026-01-13. Review status: criteria provided, single submitter. Criteria: Variantyx Assertion Criteria 2022. Collection method: clinical testing. Allele origin: germline. Inheritance: Autosomal recessive inheritance. Affected: yes.
Comment: This is a frameshift variant in the RYR1 gene (OMIM: 180901). Pathogenic variants in this gene have been associated with autosomal recessive congenital myopathy 1B. This variant introduces a premature termination codon in exon 100 out of 106 and is expected to result in loss of function, which is a known disease mechanism for RYR1 in this disorder (PMID: 20583297, 28818389, 20839240, 23919265) (PVS1). This variant is absent from control populations (PM2). The clinical symptoms reported for this proband are highly specific for autosomal recessive congenital myopathy 1B, which has a limited genetic etiology (PMID: 26932181) (PP4). Based on the current evidence, this variant is classified as pathogenic for autosomal recessive congenital myopathy 1B.

Labcorp Genetics (formerly Invitae), Labcorp
Classification: Pathogenic for RYR1-related disorder. Last evaluated: 2024-01-19. Review status: criteria provided, single submitter. Criteria: Invitae Variant Classification Sherloc (09022015). Collection method: clinical testing. Allele origin: germline.
Comment: This sequence change creates a premature translational stop signal (p.Val4798Glyfs*73) in the RYR1 gene. It is expected to result in an absent or disrupted protein product. Loss-of-function variants in RYR1 are known to be pathogenic (PMID: 23919265, 25960145, 28818389, 30611313). This variant is not present in population databases (gnomAD no frequency). This variant has not been reported in the literature in individuals affected with RYR1-related conditions. ClinVar contains an entry for this variant (Variation ID: 478197). For these reasons, this variant has been classified as Pathogenic.

Literature cited by the submitters: PubMed 20583297 (cited by Variantyx, Inc.); PubMed 28818389 (cited by Variantyx, Inc. and Labcorp Genetics (formerly Invitae), Labcorp); PubMed 20839240 (cited by Variantyx, Inc.); PubMed 23919265 (cited by Variantyx, Inc. and Labcorp Genetics (formerly Invitae), Labcorp); PubMed 25960145 (cited by Labcorp Genetics (formerly Invitae), Labcorp); PubMed 30611313 (cited by Labcorp Genetics (formerly Invitae), Labcorp).